The following is an entry in ClinVar:

ClinVar aggregate classification (germline): Uncertain significance. Review status: criteria provided, multiple submitters, no conflicts (2 of 4 stars). 2 submissions from 2 submitters: Uncertain significance (2). Last evaluated 2024-02-25.

Conditions:
Microcephaly, normal intelligence and immunodeficiency (NBS). Also called: BERLIN BREAKAGE SYNDROME; Immunodeficiency, microcephaly with normal intelligence; Nijmegen breakage syndrome; Microcephaly with normal intelligence immunodeficiency and lymphoreticular malignancies; Nonsyndromal microcephaly autosomal recessive with normal intelligence; Seemanova syndrome 2. Identifiers: Orphanet 647, MedGen C0398791, MONDO:0009623, OMIM 251260.
Hereditary cancer-predisposing syndrome. Also called: Neoplastic Syndromes, Hereditary; Hereditary Cancer Syndrome; Tumor predisposition; Hereditary neoplastic syndrome. Identifiers: Orphanet 140162, MedGen C0027672, MeSH D009386, MONDO:0015356.

Submissions (2):

Ambry Genetics
Classification: Uncertain significance for Hereditary cancer-predisposing syndrome. Last evaluated: 2024-02-25. Review status: criteria provided, single submitter. Criteria: Ambry Variant Classification Scheme 2023. Collection method: clinical testing. Allele origin: germline.
Comment: The p.N277T variant (also known as c.830A>C), located in coding exon 7 of the NBN gene, results from an A to C substitution at nucleotide position 830. The asparagine at codon 277 is replaced by threonine, an amino acid with similar properties. This amino acid position is conserved. In addition, this alteration is predicted to be tolerated by in silico analysis. Since supporting evidence is limited at this time, the clinical significance of this alteration remains unclear.

Labcorp Genetics (formerly Invitae), Labcorp
Classification: Uncertain significance for Microcephaly, normal intelligence and immunodeficiency. Last evaluated: 2022-03-02. Review status: criteria provided, single submitter. Criteria: Invitae Variant Classification Sherloc (09022015). Collection method: clinical testing. Allele origin: germline.
Comment: This sequence change replaces asparagine, which is neutral and polar, with threonine, which is neutral and polar, at codon 277 of the NBN protein (p.Asn277Thr). This variant is not present in population databases (gnomAD no frequency). This variant has not been reported in the literature in individuals affected with NBN-related conditions. Algorithms developed to predict the effect of missense changes on protein structure and function are either unavailable or do not agree on the potential impact of this missense change (SIFT: "Tolerated"; PolyPhen-2: "Possibly Damaging"; Align-GVGD: "Class C0"). In summary, the available evidence is currently insufficient to determine the role of this variant in disease. Therefore, it has been classified as a Variant of Uncertain Significance.

NM_002485.5(NBN):c.830A>C (p.Asn277Thr)

Gene: NBN (nibrin; minus strand). Cytogenetic location: 8q21.3.
Variant type: single nucleotide variant.
Coding change: c.830A>C on transcript NM_002485.5 (MANE Select); coding-DNA position 830, A replaced by C.
Protein change: p.Asn277Thr; replaces asparagine 277 with threonine.
Molecular consequence: missense variant.
Genome position (GRCh38, 1-based): chr8:89,970,430, T>G on the plus strand (A>C on the coding strand, the complement: NBN is on the minus strand). VCF-style: chr8-89970430-T-G. GRCh37 (hg19) VCF-style: chr8-90982658-T-G.
Other names: c.584A>C, p.Asn195Thr (NM_001024688.3); short protein forms N195T, N277T.
Identifiers: ClinVar variation 1465588 (VCV001465588.10), dbSNP rs876658579, ClinGen allele CA371658507.
Genomic context (GRCh38, chr8:89,970,430, plus strand): 5'-AGCATATCCATTATTGACTGAATCCATTTCTTCTGACAGTCAGGAATTAAGGTCTGTGAG[T>G]TTGTTATTCCTGTATCAACAACACACGTTCCCGGAGCCAAAAAGAAATTATGTTCTTCTT-3'
Protein context (NP_002476.2, residues 267-287): GTCVVDTGIT[Asn277Thr]SQTLIPDCQK